The following is an entry in ClinVar:

ClinVar aggregate classification (germline): Uncertain significance (1 of 4 stars; one submission).

Submission:

GeneDx
Classification: Uncertain significance. Last evaluated: 2019-12-12. Review status: criteria provided, single submitter. Criteria: GeneDx Variant Classification Process June 2021. Collection method: clinical testing. Allele origin: germline. Affected: yes.
Comment: Not observed in large population cohorts (Lek et al., 2016); In silico analysis, which includes protein predictors and evolutionary conservation, supports that this variant does not alter protein structure/function; Has not been previously published as pathogenic or benign to our knowledge

NM_000369.5(TSHR):c.1301T>C (p.Phe434Ser)

Genes: TSHR (thyroid stimulating hormone receptor; plus strand), TSHR-AS1 (TSHR antisense RNA 1; minus strand). Cytogenetic location: 14q31.1.
Variant type: single nucleotide variant.
Coding change: c.1301T>C on transcript NM_000369.5 (MANE Select); coding-DNA position 1301, T replaced by C.
Protein change: p.Phe434Ser; replaces phenylalanine 434 with serine.
Molecular consequence: missense variant.
Genome position (GRCh38, 1-based): chr14:81,143,359, T>C. VCF-style: chr14-81143359-T-C. GRCh37 (hg19) VCF-style: chr14-81609703-T-C.
Other names: short protein forms F434S.
Identifiers: ClinVar variation 1310971 (VCV001310971.2), dbSNP rs2140110634, ClinGen allele CA390727597.
Genomic context (GRCh38, chr14:81,143,359, plus strand): 5'-ACAAGTTCCTGAGAATTGTGGTGTGGTTCGTTAGTCTGCTGGCTCTCCTGGGCAATGTCT[T>C]TGTCCTGCTTATTCTCCTCACCAGCCACTACAAACTGAACGTCCCCCGCTTTCTCATGTG-3'
Protein context (NP_000360.2, residues 424-444): VSLLALLGNV[Phe434Ser]VLLILLTSHY